The following is an entry in ClinVar:

NM_014874.4(MFN2):c.843T>G (p.Cys281Trp)

Gene: MFN2 (mitofusin 2; plus strand). Cytogenetic location: 1p36.22.
Variant type: single nucleotide variant.
Coding change: c.843T>G on transcript NM_014874.4 (MANE Select); coding-DNA position 843, T replaced by G.
Protein change: p.Cys281Trp; replaces cysteine 281 with tryptophan.
Molecular consequence: missense variant.
Genome position (GRCh38, 1-based): chr1:12,001,427, T>G. VCF-style: chr1-12001427-T-G. GRCh37 (hg19) VCF-style: chr1-12061484-T-G.
Other names: c.843T>G, p.Cys281Trp (NM_001127660.2); short protein forms C281W.
Identifiers: ClinVar variation 1763401 (VCV001763401.2), dbSNP rs2523053773, ClinGen allele CA338441525.

ClinVar aggregate classification (germline): Uncertain significance (1 of 4 stars; one submission).

Conditions:
Inborn genetic diseases. Identifiers: MedGen C0950123, MeSH D030342.

Submission:

Ambry Genetics
Classification: Uncertain significance for Inborn genetic diseases. Last evaluated: 2022-05-21. Review status: criteria provided, single submitter. Criteria: Ambry Variant Classification Scheme 2023. Collection method: clinical testing. Allele origin: germline.
Comment: The p.C281W variant (also known as c.843T>G), located in coding exon 7 of the MFN2 gene, results from a T to G substitution at nucleotide position 843. The cysteine at codon 281 is replaced by tryptophan, an amino acid with highly dissimilar properties. This amino acid position is conserved. In addition, this alteration is predicted to be deleterious by in silico analysis. Since supporting evidence is limited at this time, the clinical significance of this alteration remains unclear.